The following is an entry in ClinVar:

ClinVar aggregate classification (germline): Uncertain significance (1 of 4 stars; one submission).

Conditions:
Cone-rod dystrophy 6 (CORD6). Also called: RETINAL CONE DYSTROPHY 2; Cone dystrophy progressive. Identifiers: Orphanet 1872, MedGen C1866293, MONDO:0011143, OMIM 601777.
Leber congenital amaurosis 1 (LCA1). Also called: RETINAL BLINDNESS, CONGENITAL; AMAUROSIS CONGENITA OF LEBER I; Congenital absence of the rods and cones; Leber's congenital tapetoretinal degeneration; Leber's congenital tapetoretinal dysplasia. Identifiers: Orphanet 65, MedGen C2931258, MONDO:0008764, OMIM 204000.

Allele frequency attached by ClinVar (database versions not stated): TOPMed below 0.00001; gnomAD 0.00001.
gnomAD v4.1: 1 of 1,613,844 alleles (0.000062%); highest among the groups gnomAD compares: African/African-American, 0.0013%; no homozygotes.

Submission:

Labcorp Genetics (formerly Invitae), Labcorp
Classification: Uncertain significance for Leber congenital amaurosis 1; Cone-rod dystrophy 6. Last evaluated: 2023-08-17. Review status: criteria provided, single submitter. Criteria: Invitae Variant Classification Sherloc (09022015). Collection method: clinical testing. Allele origin: germline.
Comment: In summary, the available evidence is currently insufficient to determine the role of this variant in disease. Therefore, it has been classified as a Variant of Uncertain Significance. Advanced modeling of protein sequence and biophysical properties (such as structural, functional, and spatial information, amino acid conservation, physicochemical variation, residue mobility, and thermodynamic stability) performed at Invitae indicates that this missense variant is not expected to disrupt GUCY2D protein function. ClinVar contains an entry for this variant (Variation ID: 1349426). This variant has not been reported in the literature in individuals affected with GUCY2D-related conditions. This variant is present in population databases (no rsID available, gnomAD 0.01%). This sequence change replaces methionine, which is neutral and non-polar, with leucine, which is neutral and non-polar, at codon 823 of the GUCY2D protein (p.Met823Leu).

NM_000180.4(GUCY2D):c.2467A>T (p.Met823Leu)

Gene: GUCY2D (guanylate cyclase 2D, retinal; plus strand). Cytogenetic location: 17p13.1.
Variant type: single nucleotide variant.
Coding change: c.2467A>T on transcript NM_000180.4 (MANE Select); coding-DNA position 2467, A replaced by T.
Protein change: p.Met823Leu; replaces methionine 823 with leucine.
Molecular consequence: missense variant.
Genome position (GRCh38, 1-based): chr17:8,014,655, A>T. VCF-style: chr17-8014655-A-T. GRCh37 (hg19) VCF-style: chr17-7917973-A-T.
Other names: short protein forms M823L.
Identifiers: ClinVar variation 1349426 (VCV001349426.8), dbSNP rs1264291406, ClinGen allele CA397953500.